The following is an entry in ClinVar:

ClinVar aggregate classification (germline): Likely pathogenic (1 of 4 stars; one submission).

Conditions:
Cardiovascular phenotype. Identifiers: MedGen CN230736.

gnomAD v4.1: 1 of 1,591,172 alleles (0.000063%); highest among the groups gnomAD compares: Non-Finnish European, 0.000086%; no homozygotes.

Submission:

Ambry Genetics
Classification: Likely pathogenic for Cardiovascular phenotype. Last evaluated: 2025-08-04. Review status: criteria provided, single submitter. Criteria: Ambry Variant Classification Scheme 2023. Collection method: clinical testing. Allele origin: germline.
Comment: The c.1813+1G>C intronic variant results from a G to C substitution one nucleotide after coding exon 11 of the FLNC gene. This variant is considered to be rare based on population cohorts in the Genome Aggregation Database (gnomAD). This nucleotide position is highly conserved in available vertebrate species. In silico splice site analysis predicts that this alteration will weaken the native splice donor site and may result in the creation or strengthening of a novel splice donor site. Alterations that disrupt the canonical splice site are expected to cause aberrant splicing, resulting in an abnormal protein or a transcript that is subject to nonsense-mediated mRNA decay. Based on the supporting evidence, this variant is expected to be causative of FLNC-related dilated cardiomyopathy; however, its clinical significance for FLNC-related hypertrophic/restrictive cardiomyopathy and/or skeletal myopathy is unclear.

NM_001458.5(FLNC):c.1813+1G>C

Gene: FLNC (filamin C; plus strand). Cytogenetic location: 7q32.1.
Variant type: single nucleotide variant.
Coding change: c.1813+1G>C on transcript NM_001458.5 (MANE Select); the canonical splice donor site of the intron after coding-DNA position 1813, G replaced by C.
Molecular consequence: splice donor variant.
Genome position (GRCh38, 1-based): chr7:128,840,971, G>C. VCF-style: chr7-128840971-G-C. GRCh37 (hg19) VCF-style: chr7-128481025-G-C.
Other names: c.1813+1G>C (NM_001127487.2).
Identifiers: ClinVar variation 4258284 (VCV004258284.1).